The following is an entry in ClinVar:

NM_005918.4(MDH2):c.892G>A (p.Gly298Ser)

Gene: MDH2 (malate dehydrogenase 2; plus strand). Cytogenetic location: 7q11.23.
Variant type: single nucleotide variant.
Coding change: c.892G>A on transcript NM_005918.4 (MANE Select); coding-DNA position 892, G replaced by A.
Protein change: p.Gly298Ser; replaces glycine 298 with serine.
Molecular consequence: missense variant.
Genome position (GRCh38, 1-based): chr7:76,066,285, G>A. VCF-style: chr7-76066285-G-A. GRCh37 (hg19) VCF-style: chr7-75695603-G-A.
Other names: c.766G>A, p.Gly256Ser (NM_001282403.2); c.571G>A, p.Gly191Ser (NM_001282404.2); short protein forms G256S, G298S, G191S.
Identifiers: ClinVar variation 3293817 (VCV003293817.3).

ClinVar aggregate classification (germline): Uncertain significance. Review status: criteria provided, multiple submitters, no conflicts (2 of 4 stars). 2 submissions from 2 submitters: Uncertain significance (2). Last evaluated 2025-01-23.

Conditions:
Inborn genetic diseases. Identifiers: MedGen C0950123, MeSH D030342.

gnomAD v4.1: 1 of 1,607,634 alleles (0.000062%); highest among the groups gnomAD compares: Non-Finnish European, 0.000085%; no homozygotes.

Submissions (2):

Labcorp Genetics (formerly Invitae), Labcorp
Classification: Uncertain significance. Last evaluated: 2025-01-23. Review status: criteria provided, single submitter. Criteria: Invitae Variant Classification Sherloc (09022015). Collection method: clinical testing. Allele origin: germline.
Comment: This sequence change replaces glycine, which is neutral and non-polar, with serine, which is neutral and polar, at codon 298 of the MDH2 protein (p.Gly298Ser). This variant is present in population databases (no rsID available, gnomAD 0.0009%). This variant has not been reported in the literature in individuals affected with MDH2-related conditions. Invitae Evidence Modeling of protein sequence and biophysical properties (such as structural, functional, and spatial information, amino acid conservation, physicochemical variation, residue mobility, and thermodynamic stability) indicates that this missense variant is expected to disrupt MDH2 protein function with a positive predictive value of 80%. In summary, the available evidence is currently insufficient to determine the role of this variant in disease. Therefore, it has been classified as a Variant of Uncertain Significance.

Ambry Genetics
Classification: Uncertain significance for Inborn genetic diseases. Last evaluated: 2024-04-01. Review status: criteria provided, single submitter. Criteria: Ambry Variant Classification Scheme 2023. Collection method: clinical testing. Allele origin: germline.
Comment: The p.G298S variant (also known as c.892G>A), located in coding exon 9 of the MDH2 gene, results from a G to A substitution at nucleotide position 892. The glycine at codon 298 is replaced by serine, an amino acid with similar properties. This amino acid position is conserved. In addition, this alteration is predicted to be deleterious by in silico analysis. Based on the available evidence, the clinical significance of this alteration remains unclear.